The following is an entry in ClinVar:

ClinVar aggregate classification (germline): Uncertain significance. Review status: criteria provided, multiple submitters, no conflicts (2 of 4 stars). 3 submissions from 3 submitters: Uncertain significance (3). Last evaluated 2026-01-19.

Conditions:
Hereditary cancer-predisposing syndrome. Also called: Tumor predisposition; Hereditary Cancer Syndrome; Neoplastic Syndromes, Hereditary; Hereditary neoplastic syndrome. Identifiers: Orphanet 140162, MedGen C0027672, MeSH D009386, MONDO:0015356.
Neurofibromatosis, type 2 (SWNV). Also called: BILATERAL ACOUSTIC NEUROFIBROMATOSIS; SCHWANNOMATOSIS, VESTIBULAR; NF2-Related Schwannomatosis. Identifiers: Orphanet 637, MedGen C0027832, MONDO:0007039, OMIM 101000. Disease mechanism: loss of function.

Allele frequency attached by ClinVar (database versions not stated): gnomAD exomes below 0.00001; ExAC 0.00001; TOPMed 0.00001; ESP Exome Variant Server 0.00008.

Submissions (3):

Labcorp Genetics (formerly Invitae), Labcorp
Classification: Uncertain significance for Neurofibromatosis, type 2. Last evaluated: 2026-01-19. Review status: criteria provided, single submitter. Criteria: Invitae Variant Classification Sherloc (09022015). Collection method: clinical testing. Allele origin: germline.
Comment: This sequence change replaces arginine, which is basic and polar, with tryptophan, which is neutral and slightly polar, at codon 336 of the NF2 protein (p.Arg336Trp). This variant is not present in population databases (gnomAD no frequency). This variant has not been reported in the literature in individuals affected with NF2-related conditions. ClinVar contains an entry for this variant (Variation ID: 956440). Invitae Evidence Modeling of protein sequence and biophysical properties (such as structural, functional, and spatial information, amino acid conservation, physicochemical variation, residue mobility, and thermodynamic stability) has been performed for this missense variant. However, the output from this modeling did not meet the statistical confidence thresholds required to predict the impact of this variant on NF2 protein function. In summary, the available evidence is currently insufficient to determine the role of this variant in disease. Therefore, it has been classified as a Variant of Uncertain Significance.

Ambry Genetics
Classification: Uncertain significance for Hereditary cancer-predisposing syndrome. Last evaluated: 2024-01-05. Review status: criteria provided, single submitter. Criteria: Ambry Variant Classification Scheme 2023. Collection method: clinical testing. Allele origin: germline.
Comment: The p.R336W variant (also known as c.1006C>T), located in coding exon 11 of the NF2 gene, results from a C to T substitution at nucleotide position 1006. The arginine at codon 336 is replaced by tryptophan, an amino acid with dissimilar properties. This amino acid position is well conserved in available vertebrate species. In addition, the in silico prediction for this alteration is inconclusive. Since supporting evidence is limited at this time, the clinical significance of this alteration remains unclear.

All of Us Research Program, National Institutes of Health
Classification: Uncertain significance for Neurofibromatosis, type 2. Last evaluated: 2023-12-13. Review status: criteria provided, single submitter. Criteria: ACMG Guidelines, 2015. Collection method: clinical testing. Allele origin: germline. Inheritance: Autosomal dominant inheritance. Observed: 1 variant allele, 1 heterozygote.
Comment: This missense variant replaces arginine with tryptophan at codon 336 of the NF2 protein. Computational prediction is inconclusive regarding the impact of this variant on protein structure and function (internally defined REVEL score threshold 0.5 < inconclusive < 0.7, PMID: 27666373). To our knowledge, functional studies have not been reported for this variant. This variant has not been reported in individuals affected with NF2-related disorders in the literature. This variant has been identified in 1/251394 chromosomes in the general population by the Genome Aggregation Database (gnomAD). The available evidence is insufficient to determine the role of this variant in disease conclusively. Therefore, this variant is classified as a Variant of Uncertain Significance.

This study involves interpretation of variants in research participants for the purpose of population health screening. Participant phenotype was not available at the time of variant classification. Additional details can be found in publication PMID: 35346344, PMCID: PMC8962531

NM_000268.4(NF2):c.1006C>T (p.Arg336Trp)

Gene: NF2 (NF2, moesin-ezrin-radixin like (MERLIN) tumor suppressor; plus strand). Cytogenetic location: 22q12.2.
Variant type: single nucleotide variant.
Coding change: c.1006C>T on transcript NM_000268.4 (MANE Select); coding-DNA position 1006, C replaced by T.
Protein change: p.Arg336Trp; replaces arginine 336 with tryptophan.
Molecular consequence: missense variant. On other transcripts: non-coding transcript variant (1), intron variant (1).
Genome position (GRCh38, 1-based): chr22:29,671,832, C>T. VCF-style: chr22-29671832-C-T. GRCh37 (hg19) VCF-style: chr22-30067821-C-T.
Other names: c.1006C>T, p.Arg336Trp (NM_016418.5, NM_181825.3, NM_181832.3); c.880C>T, p.Arg294Trp (NM_181828.3); c.883C>T, p.Arg295Trp (NM_181829.3); c.757C>T, p.Arg253Trp (NM_181830.3, NM_181831.3); c.448-22920C>T (NM_181833.3); short protein forms R336W, R253W, R295W, R294W.
Identifiers: ClinVar variation 956440 (VCV000956440.13), dbSNP rs140266312, ClinGen allele CA036517.